The following is an entry in ClinVar:

NM_024577.4(SH3TC2):c.*4446G>C

Gene: SH3TC2 (SH3 domain and tetratricopeptide repeats 2; minus strand). Cytogenetic location: 5q32.
Variant type: single nucleotide variant.
Coding change: c.*4446G>C on transcript NM_024577.4 (MANE Select); 4446 bases downstream of the stop codon, G replaced by C.
Molecular consequence: 3 prime UTR variant.
Genome position (GRCh38, 1-based): chr5:149,000,265, C>G on the plus strand (G>C on the coding strand, the complement: SH3TC2 is on the minus strand). VCF-style: chr5-149000265-C-G. GRCh37 (hg19) VCF-style: chr5-148379828-C-G.
Identifiers: ClinVar variation 351823 (VCV000351823.5), dbSNP rs186152591, ClinGen allele CA10623477.
Genomic context (GRCh38, chr5:149,000,265, plus strand): 5'-GCTGAATCCCCACTTCCCTGAAATGTGTGCCCAAACCTGGCATTGAATGACACTGACCCT[C>G]CTCAGAAGGAGCTCAGTCCTCTTCCCTGCTTACTCCATTTCTCTGAGTGTGCAAGGAAAA-3'

ClinVar aggregate classification (germline): Likely benign. Review status: criteria provided, single submitter (1 of 4 stars). 2 submissions from 1 submitter: Likely benign (2). Last evaluated 2018-01-12.

Conditions:
Susceptibility to mononeuropathy of the median nerve, mild. Also called: CARPAL TUNNEL SYNDROME, SUSCEPTIBILITY TO. Identifiers: MedGen C3150596, MONDO:0013237, OMIM 613353.
Charcot-Marie-Tooth disease type 4C (CMT4C). Also called: CHARCOT-MARIE-TOOTH DISEASE, DEMYELINATING, AUTOSOMAL RECESSIVE, TYPE 4C; CMT 4C; Charcot-Marie-Tooth Neuropathy Type 4C (CMT4C); CHARCOT-MARIE-TOOTH DISEASE, DEMYELINATING, TYPE 4C; SH3TC2-Related Hereditary Motor and Sensory Neuropathy. Identifiers: Orphanet 99949, MedGen C1866636, MONDO:0011113, OMIM 601596.

Allele frequency attached by ClinVar (database versions not stated): gnomAD 0.00007 and 0.00011; TOPMed 0.00010; 1000 Genomes Project 30x 0.00062; 1000 Genomes Project 0.00080.
gnomAD v4.1: 17 of 152,316 alleles (0.011%); highest among the groups gnomAD compares: East Asian, 0.33%; no homozygotes.

Submissions (2):

Illumina Laboratory Services, Illumina
Classification: Likely benign for Charcot-Marie-Tooth disease type 4C. Last evaluated: 2018-01-12. Review status: criteria provided, single submitter. Criteria: ICSL Variant Classification Criteria 13 December 2019. Collection method: clinical testing. Allele origin: germline.
Comment: This variant was observed in the ICSL laboratory as part of a predisposition screen in an ostensibly healthy population. It had not been previously curated by ICSL or reported in the Human Gene Mutation Database (HGMD: prior to June 1st, 2018), and was therefore a candidate for classification through an automated scoring system. Utilizing variant allele frequency, disease prevalence and penetrance estimates, and inheritance mode, an automated score was calculated to assess if this variant is too frequent to cause the disease. Based on the score and internal cut-off values, a variant classified as likely benign is not then subjected to further curation. The score for this variant resulted in a classification of likely benign for this disease.

Illumina Laboratory Services, Illumina
Classification: Likely benign for Susceptibility to mononeuropathy of the median nerve, mild. Last evaluated: 2018-01-12. Review status: criteria provided, single submitter. Criteria: ICSL Variant Classification Criteria 13 December 2019. Collection method: clinical testing. Allele origin: germline.
Comment: the same text as in the submission from Illumina Laboratory Services, Illumina above.